The following is an entry in ClinVar:

ClinVar aggregate classification (germline): Uncertain significance (1 of 4 stars; one submission).

Conditions:
Hereditary cancer-predisposing syndrome. Also called: Neoplastic Syndromes, Hereditary; Tumor predisposition; Hereditary neoplastic syndrome; Hereditary Cancer Syndrome. Identifiers: Orphanet 140162, MedGen C0027672, MeSH D009386, MONDO:0015356.

Submission:

Ambry Genetics
Classification: Uncertain significance for Hereditary cancer-predisposing syndrome. Last evaluated: 2024-03-21. Review status: criteria provided, single submitter. Criteria: Ambry Variant Classification Scheme 2023. Collection method: clinical testing. Allele origin: germline.
Comment: The p.V411A variant (also known as c.1232T>C), located in coding exon 10 of the POT1 gene, results from a T to C substitution at nucleotide position 1232. The valine at codon 411 is replaced by alanine, an amino acid with similar properties. This amino acid position is conserved. In addition, this alteration is predicted to be tolerated by in silico analysis. Based on the available evidence, the clinical significance of this alteration remains unclear.

NM_015450.3(POT1):c.1232T>C (p.Val411Ala)

Gene: POT1 (protection of telomeres 1; minus strand). Cytogenetic location: 7q31.33.
Variant type: single nucleotide variant.
Coding change: c.1232T>C on transcript NM_015450.3 (MANE Select); coding-DNA position 1232, T replaced by C.
Protein change: p.Val411Ala; replaces valine 411 with alanine.
Molecular consequence: missense variant. On other transcripts: non-coding transcript variant (3).
Genome position (GRCh38, 1-based): chr7:124,841,110, A>G on the plus strand (T>C on the coding strand, the complement: POT1 is on the minus strand). VCF-style: chr7-124841110-A-G. GRCh37 (hg19) VCF-style: chr7-124481164-A-G.
Other names: c.839T>C, p.Val280Ala (NM_001042594.2); short protein forms V280A, V411A.
Identifiers: ClinVar variation 3308958 (VCV003308958.1).